The following is an entry in ClinVar:

ClinVar aggregate classification (germline): Uncertain significance (1 of 4 stars; one submission).

Submission:

Labcorp Genetics (formerly Invitae), Labcorp
Classification: Uncertain significance. Last evaluated: 2025-07-31. Review status: criteria provided, single submitter. Criteria: Invitae Variant Classification Sherloc (09022015). Collection method: clinical testing. Allele origin: germline.
Comment: This sequence change replaces valine, which is neutral and non-polar, with alanine, which is neutral and non-polar, at codon 691 of the MMP9 protein (p.Val691Ala). This variant is present in population databases (rs201112388, gnomAD 0.004%). This variant has not been reported in the literature in individuals affected with MMP9-related conditions. ClinVar contains an entry for this variant (Variation ID: 3624113). Invitae Evidence Modeling of protein sequence and biophysical properties (such as structural, functional, and spatial information, amino acid conservation, physicochemical variation, residue mobility, and thermodynamic stability) indicates that this missense variant is not expected to disrupt MMP9 protein function with a negative predictive value of 80%. In summary, the available evidence is currently insufficient to determine the role of this variant in disease. Therefore, it has been classified as a Variant of Uncertain Significance.

NM_004994.3(MMP9):c.2072T>C (p.Val691Ala)

Genes: MMP9 (matrix metallopeptidase 9; plus strand), SLC12A5-AS1 (SLC12A5 and MMP9 antisense RNA 1; minus strand). Cytogenetic location: 20q13.12.
Variant type: single nucleotide variant.
Coding change: c.2072T>C on transcript NM_004994.3 (MANE Select); coding-DNA position 2072, T replaced by C.
Protein change: p.Val691Ala; replaces valine 691 with alanine.
Molecular consequence: missense variant.
Genome position (GRCh38, 1-based): chr20:46,016,316, T>C. VCF-style: chr20-46016316-T-C. GRCh37 (hg19) VCF-style: chr20-44644955-T-C.
Other names: short protein forms V691A.
Identifiers: ClinVar variation 3624113 (VCV003624113.2).